The following is an entry in ClinVar:

ClinVar aggregate classification (germline): Uncertain significance (1 of 4 stars; one submission).

Submission:

GeneDx
Classification: Uncertain significance. Last evaluated: 2020-01-28. Review status: criteria provided, single submitter. Criteria: GeneDx Variant Classification Process June 2021. Collection method: clinical testing. Allele origin: germline. Affected: yes.
Comment: Not observed in large population cohorts (Lek et al., 2016); In silico analysis, which includes splice predictors and evolutionary conservation, supports that this variant does not alter protein structure/function; Has not been previously published as pathogenic or benign to our knowledge; Located in an alternate transcript of the gene

NM_001244008.2(KIF1A):c.2783T>C (p.Val928Ala)

Gene: KIF1A (kinesin family member 1A; minus strand). Cytogenetic location: 2q37.3.
Variant type: single nucleotide variant.
Coding change: c.2783T>C on transcript NM_001244008.2 (MANE Select); coding-DNA position 2783, T replaced by C.
Protein change: p.Val928Ala; replaces valine 928 with alanine.
Molecular consequence: missense variant. On other transcripts: intron variant (18).
Genome position (GRCh38, 1-based): chr2:240,757,394, A>G on the plus strand (T>C on the coding strand, the complement: KIF1A is on the minus strand). VCF-style: chr2-240757394-A-G. GRCh37 (hg19) VCF-style: chr2-241696811-A-G.
Other names: c.2858T>C, p.Val953Ala (NM_001379631.1); c.2732T>C, p.Val911Ala (NM_001379632.1); c.2756T>C, p.Val919Ala (NM_001379633.1, NM_001379642.1, NM_001379645.1); c.2555+966T>C (NM_001379653.1, NM_001379650.1, NM_001379640.1 and 6 more transcripts); c.2657+966T>C (NM_001379635.1, NM_001330290.2, NM_001379646.1 and 1 more transcripts); c.2630+966T>C (NM_001379637.1, NM_001379648.1); c.2582+966T>C (NM_001320705.2, NM_001379638.1, NM_001330289.2); short protein forms V911A, V919A, V928A, V953A.
Identifiers: ClinVar variation 1313168 (VCV001313168.2), dbSNP rs2125867585, ClinGen allele CA351321487.
Genomic context (GRCh38, chr2:240,757,394, plus strand): 5'-AACAGGGGGGGCCGGTCGTAAAACGGGTCCCGGCCGTCGCACAGCGCGTGCTCCGGAAAG[A>G]CGTCGTCCTCCAGGTCCTCCTCCTCCTCATCCTCCTCCTCCTCCTCCTCCTCCTCCTCCT-3'
Protein context (NP_001230937.1, residues 918-938): DEEEEDLEDD[Val928Ala]FPEHALCDGR